The following is an entry in ClinVar:

ClinVar aggregate classification (germline): Pathogenic (1 of 4 stars; one submission).

Conditions:
Duchenne muscular dystrophy (DMD). Also called: MUSCULAR DYSTROPHY, PSEUDOHYPERTROPHIC PROGRESSIVE, DUCHENNE TYPE; Duchenne Muscular Dystrophy (DMD). Identifiers: Orphanet 98896, MedGen C0013264, MONDO:0010679, OMIM 310200.

Submission:

Labcorp Genetics (formerly Invitae), Labcorp
Classification: Pathogenic for Duchenne muscular dystrophy. Last evaluated: 2022-08-16. Review status: criteria provided, single submitter. Criteria: Invitae Variant Classification Sherloc (09022015). Collection method: clinical testing. Allele origin: unknown.
Comment: For these reasons, this variant has been classified as Pathogenic. A similar copy number variant has been observed in individuals with DMD-related dystrophinopathies (PMID: 16030524, 16917894, 25482253). This variant results in a copy number gain of the genomic region encompassing exon(s) 8-44 of the DMD gene. While the exact position of this variant cannot be determined from the data, sub-genic copy number gains are generally in tandem (PMID: 25640679). This variant is predicted to be out-of-frame, and may result in an absent or disrupted protein product. Loss-of-function variants in DMD are known to be pathogenic (PMID: 16770791, 25007885).

Literature cited by the submitters: PubMed 16030524; PubMed 16917894; PubMed 25482253; PubMed 25640679; PubMed 16770791; PubMed 25007885.

NC_000023.10:g.(?_32235013)_(32717430_?)dup

Gene: DMD (dystrophin; minus strand). Cytogenetic location: Xp21.1.
Variant type: Duplication.
Identifiers: ClinVar variation 3243427 (VCV003243427.1).